The following is an entry in ClinVar:

NM_006031.6(PCNT):c.4519C>T (p.Arg1507Cys)

Gene: PCNT (pericentrin; plus strand). Cytogenetic location: 21q22.3.
Variant type: single nucleotide variant.
Coding change: c.4519C>T on transcript NM_006031.6 (MANE Select); coding-DNA position 4519, C replaced by T.
Protein change: p.Arg1507Cys; replaces arginine 1507 with cysteine.
Molecular consequence: missense variant.
Genome position (GRCh38, 1-based): chr21:46,398,086, C>T. VCF-style: chr21-46398086-C-T. GRCh37 (hg19) VCF-style: chr21-47818000-C-T.
Other names: c.4165C>T, p.Arg1389Cys (NM_001315529.2); c.4519C>T (NM_006031.5); short protein forms R1389C, R1507C.
Identifiers: ClinVar variation 1520556 (VCV001520556.5), dbSNP rs138898378, ClinGen allele CA10079664.

ClinVar aggregate classification (germline): Uncertain significance. Review status: criteria provided, multiple submitters, no conflicts (2 of 4 stars). 2 submissions from 2 submitters: Uncertain significance (2). Last evaluated 2026-02-03.

Conditions:
PCNT-related disorder. Also called: PCNT-related condition.

Allele frequency attached by ClinVar (database versions not stated): gnomAD exomes 0.00006 and 0.00010; ExAC 0.00008; ESP Exome Variant Server 0.00008; TOPMed 0.00008; gnomAD 0.00009.
gnomAD v4.1: 157 of 1,596,670 alleles (0.0098%); highest among the groups gnomAD compares: Non-Finnish European, 0.013%; no homozygotes.

Submissions (2):

PreventionGenetics, part of Exact Sciences
Classification: Uncertain significance for PCNT-related condition. Last evaluated: 2026-02-03. Review status: criteria provided, single submitter. Criteria: ACMG Guidelines, 2015. Collection method: clinical testing. Allele origin: germline.
Comment: The PCNT c.4519C>T variant is predicted to result in the amino acid substitution p.Arg1507Cys. To our knowledge, this variant has not been reported in the literature. This variant is reported in 0.031% of alleles in individuals of Ashkenazi Jewish descent in gnomAD. At this time, the clinical significance of this variant is uncertain due to the absence of conclusive functional and genetic evidence.

Labcorp Genetics (formerly Invitae), Labcorp
Classification: Uncertain significance. Last evaluated: 2025-01-24. Review status: criteria provided, single submitter. Criteria: Invitae Variant Classification Sherloc (09022015). Collection method: clinical testing. Allele origin: germline.
Comment: This sequence change replaces arginine, which is basic and polar, with cysteine, which is neutral and slightly polar, at codon 1507 of the PCNT protein (p.Arg1507Cys). This variant is present in population databases (rs138898378, gnomAD 0.03%). This variant has not been reported in the literature in individuals affected with PCNT-related conditions. ClinVar contains an entry for this variant (Variation ID: 1520556). An algorithm developed to predict the effect of missense changes on protein structure and function (PolyPhen-2) suggests that this variant is likely to be disruptive. In summary, the available evidence is currently insufficient to determine the role of this variant in disease. Therefore, it has been classified as a Variant of Uncertain Significance.